The following is an entry in ClinVar:

ClinVar aggregate classification (germline): Conflicting classifications of pathogenicity. Review status: criteria provided, conflicting classifications (1 of 4 stars). 3 submissions from 3 submitters: Uncertain significance (1); Likely benign (1). 1 of the submissions does not count toward it. Last evaluated 2026-01-13.

Conditions:
Congenital myasthenic syndrome 8. Also called: MYASTHENIC SYNDROME, CONGENITAL, DUE TO AGRIN DEFICIENCY; Myasthenic syndrome, congenital, 8, with pre- and postsynaptic defects. Identifiers: Orphanet 590, MedGen C3808739, MONDO:0014052, OMIM 615120.
AGRN-related disorder. Also called: AGRN-related condition.

Allele frequency attached by ClinVar (database versions not stated): ESP Exome Variant Server 0.00009; 1000 Genomes Project 0.00080; ExAC 0.00085; TOPMed 0.00101; 1000 Genomes Project 30x 0.00109.
gnomAD v4.1: 277 of 1,523,666 alleles (0.018%); highest among the groups gnomAD compares: African/African-American, 0.33%; no homozygotes.

Submissions (3):

Labcorp Genetics (formerly Invitae), Labcorp
Classification: Likely benign for Congenital myasthenic syndrome 8. Last evaluated: 2026-01-13. Review status: criteria provided, single submitter. Criteria: Invitae Variant Classification Sherloc (09022015). Collection method: clinical testing. Allele origin: germline.

Mayo Clinic Laboratories, Mayo Clinic
Classification: Uncertain significance. Last evaluated: 2025-06-27. Review status: criteria provided, single submitter. Criteria: ACMG Guidelines, 2015. Collection method: clinical testing. Allele origin: germline. Observed: 2 variant alleles.
Comment: PP3

PreventionGenetics, part of Exact Sciences
Classification: Likely benign for AGRN-related condition. Last evaluated: 2022-10-21. Review status: no assertion criteria provided. Collection method: clinical testing. Allele origin: germline. Not counted in ClinVar's aggregate classification.
Comment: This variant is classified as likely benign based on ACMG/AMP sequence variant interpretation guidelines (Richards et al. 2015 PMID: 25741868, with internal and published modifications).

NM_198576.4(AGRN):c.4021G>A (p.Gly1341Arg)

Gene: AGRN (agrin; plus strand). Cytogenetic location: 1p36.33.
Variant type: single nucleotide variant.
Coding change: c.4021G>A on transcript NM_198576.4 (MANE Select); coding-DNA position 4021, G replaced by A.
Protein change: p.Gly1341Arg; replaces glycine 1341 with arginine.
Molecular consequence: missense variant.
Genome position (GRCh38, 1-based): chr1:1,048,281, G>A. VCF-style: chr1-1048281-G-A. GRCh37 (hg19) VCF-style: chr1-983661-G-A.
Other names: p.Gly1341Arg; c.4021G>A, p.Gly1341Arg (NM_001305275.2); c.3706G>A, p.Gly1236Arg (NM_001364727.2); short protein forms G1236R, G1341R.
Identifiers: ClinVar variation 705729 (VCV000705729.15), dbSNP rs372543866, ClinGen allele CA509301.